The following is an entry in ClinVar:

ClinVar aggregate classification (germline): Uncertain significance (1 of 4 stars; one submission).

Conditions:
Ellis-van Creveld syndrome (EVC). Also called: Chondroectodermal dysplasia; EVC-Related Ellis-van Creveld Syndrome; EVC2-Related Ellis-van Creveld Syndrome; MESOECTODERMAL DYSPLASIA. Identifiers: Orphanet 289, MedGen C0013903, MONDO:0009162, OMIM 225500.
Curry-Hall syndrome (WAD). Also called: WEYERS ACRODENTAL DYSOSTOSIS. Identifiers: Orphanet 952, MedGen C0457013, MONDO:0008673, OMIM 193530.

gnomAD v4.1: 5 of 1,613,976 alleles (0.00031%); highest among the groups gnomAD compares: Admixed American, 0.0017%; no homozygotes.

Submission:

Labcorp Genetics (formerly Invitae), Labcorp
Classification: Uncertain significance for Curry-Hall syndrome; Ellis-van Creveld syndrome. Last evaluated: 2021-12-03. Review status: criteria provided, single submitter. Criteria: Invitae Variant Classification Sherloc (09022015). Collection method: clinical testing. Allele origin: germline.
Comment: This sequence change replaces alanine, which is neutral and non-polar, with valine, which is neutral and non-polar, at codon 460 of the EVC protein (p.Ala460Val). This variant is present in population databases (no rsID available, gnomAD no frequency). This variant has not been reported in the literature in individuals affected with EVC-related conditions. Algorithms developed to predict the effect of missense changes on protein structure and function (SIFT, PolyPhen-2, Align-GVGD) all suggest that this variant is likely to be tolerated. Algorithms developed to predict the effect of sequence changes on RNA splicing suggest that this variant may create or strengthen a splice site. In summary, the available evidence is currently insufficient to determine the role of this variant in disease. Therefore, it has been classified as a Variant of Uncertain Significance.

NM_153717.3(EVC):c.1379C>T (p.Ala460Val)

Gene: EVC (EvC ciliary complex subunit 1; plus strand). Cytogenetic location: 4p16.2.
Variant type: single nucleotide variant.
Coding change: c.1379C>T on transcript NM_153717.3 (MANE Select); coding-DNA position 1379, C replaced by T.
Protein change: p.Ala460Val; replaces alanine 460 with valine.
Molecular consequence: missense variant.
Genome position (GRCh38, 1-based): chr4:5,753,848, C>T. VCF-style: chr4-5753848-C-T. GRCh37 (hg19) VCF-style: chr4-5755575-C-T.
Other names: c.1379C>T, p.Ala460Val (NM_001306090.2, NM_001306092.2); short protein forms A460V.
Identifiers: ClinVar variation 1425838 (VCV001425838.4), dbSNP rs1309149029, ClinGen allele CA356155924.
Genomic context (GRCh38, chr4:5,753,848, plus strand): 5'-TTGTCCAGCGAGGCAAAGACCTGGTCACGGCGTCTCTGGCTCACCAGGTGGAGGGAACGG[C>T]AAAACTCACGCTGGCCCAAGAGGAGGAACAGAGAAGCTTCCTGGCTGAGGCCCAGCCGAC-3'
Protein context (NP_714928.1, residues 450-470): ASLAHQVEGT[Ala460Val]KLTLAQEEEQ